The following is an entry in ClinVar:

ClinVar aggregate classification (germline): Uncertain significance (1 of 4 stars; one submission).

gnomAD v4.1: 3 of 1,614,228 alleles (0.00019%); highest among the groups gnomAD compares: Admixed American, 0.005%; no homozygotes.

Submission:

Ambry Genetics
Classification: Uncertain significance. Last evaluated: 2024-03-27. Review status: criteria provided, single submitter. Criteria: Ambry Variant Classification Scheme 2023. Collection method: clinical testing. Allele origin: germline.
Comment: The p.S742N variant (also known as c.2225G>A), located in coding exon 4 of the ALPK2 gene, results from a G to A substitution at nucleotide position 2225. The serine at codon 742 is replaced by asparagine, an amino acid with highly similar properties. This amino acid position is conserved. In addition, this alteration is predicted to be tolerated by in silico analysis. Based on the available evidence, the clinical significance of this alteration remains unclear.

NM_052947.4(ALPK2):c.2225G>A (p.Ser742Asn)

Gene: ALPK2 (alpha kinase 2; minus strand). Cytogenetic location: 18q21.31.
Variant type: single nucleotide variant.
Coding change: c.2225G>A on transcript NM_052947.4 (MANE Select); coding-DNA position 2225, G replaced by A.
Protein change: p.Ser742Asn; replaces serine 742 with asparagine.
Molecular consequence: missense variant.
Genome position (GRCh38, 1-based): chr18:58,537,962, C>T on the plus strand (G>A on the coding strand, the complement: ALPK2 is on the minus strand). VCF-style: chr18-58537962-C-T. GRCh37 (hg19) VCF-style: chr18-56205194-C-T.
Other names: short protein forms S742N.
Identifiers: ClinVar variation 3289873 (VCV003289873.1).
Genomic context (GRCh38, chr18:58,537,962, plus strand): 5'-TTGGGGAGATGCCTTGAGAACACACCTGGGGACATAGTCTCATCATTGGCTTCTGAGATG[C>T]TCTGCTCATATTTTAGGTCTTCCCTGAAATTGTCAGGTATGTTGCCATCTCTGTCTTGTT-3'
Protein context (NP_443179.3, residues 732-752): NFREDLKYEQ[Ser742Asn]ISEANDETMS